The following is an entry in ClinVar:

ClinVar aggregate classification (germline): Uncertain significance. Review status: criteria provided, multiple submitters, no conflicts (2 of 4 stars). 4 submissions from 4 submitters: Uncertain significance (4). Last evaluated 2025-11-15.

Conditions:
Hereditary cancer-predisposing syndrome. Also called: Neoplastic Syndromes, Hereditary; Hereditary Cancer Syndrome; Tumor predisposition; Hereditary neoplastic syndrome. Identifiers: Orphanet 140162, MedGen C0027672, MeSH D009386, MONDO:0015356.
Melanoma, cutaneous malignant, susceptibility to, 1 (CMM1). Also called: MELANOMA, MALIGNANT; DYSPLASTIC NEVUS SYNDROME, HEREDITARY; FAMILIAL ATYPICAL MOLE-MALIGNANT MELANOMA SYNDROME; B-K MOLE SYNDROME. Identifiers: Orphanet 618, MedGen C1835047, MONDO:0007963, OMIM 155600.
Peutz-Jeghers syndrome (PJS). Also called: POLYPOSIS, HAMARTOMATOUS INTESTINAL; POLYPS-AND-SPOTS SYNDROME; Peutz-Jeghers polyposis; Periorificial lentiginosis syndrome. Identifiers: Orphanet 2869, MedGen C0031269, MeSH D010580, MONDO:0008280, OMIM 175200.

gnomAD v4.1: 2 of 1,613,562 alleles (0.00012%); highest among the groups gnomAD compares: Admixed American, 0.0017%; no homozygotes.

Submissions (4):

Women's Health and Genetics/Laboratory Corporation of America, LabCorp
Classification: Uncertain significance. Last evaluated: 2025-11-15. Review status: criteria provided, single submitter. Criteria: LabCorp Variant Classification Summary - May 2015. Collection method: clinical testing. Allele origin: germline.

Labcorp Genetics (formerly Invitae), Labcorp
Classification: Uncertain significance for Peutz-Jeghers syndrome. Last evaluated: 2025-10-10. Review status: criteria provided, single submitter. Criteria: Invitae Variant Classification Sherloc (09022015). Collection method: clinical testing. Allele origin: germline.
Comment: This sequence change replaces glutamic acid, which is acidic and polar, with glutamine, which is neutral and polar, at codon 120 of the STK11 protein (p.Glu120Gln). This variant is present in population databases (no rsID available, gnomAD 0.003%). This variant has not been reported in the literature in individuals affected with STK11-related conditions. ClinVar contains an entry for this variant (Variation ID: 1434313). Invitae Evidence Modeling of protein sequence and biophysical properties (such as structural, functional, and spatial information, amino acid conservation, physicochemical variation, residue mobility, and thermodynamic stability) has been performed for this missense variant. However, the output from this modeling did not meet the statistical confidence thresholds required to predict the impact of this variant on STK11 protein function. In summary, the available evidence is currently insufficient to determine the role of this variant in disease. Therefore, it has been classified as a Variant of Uncertain Significance.

Baylor Genetics
Classification: Uncertain significance for Melanoma, cutaneous malignant, susceptibility to, 1. Last evaluated: 2024-01-12. Review status: criteria provided, single submitter. Criteria: ACMG Guidelines, 2015. Collection method: clinical testing. Allele origin: unknown.

Ambry Genetics
Classification: Uncertain significance for Hereditary cancer-predisposing syndrome. Last evaluated: 2022-05-02. Review status: criteria provided, single submitter. Criteria: Ambry Variant Classification Scheme 2023. Collection method: clinical testing. Allele origin: germline.
Comment: The p.E120Q variant (also known as c.358G>C), located in coding exon 2 of the STK11 gene, results from a G to C substitution at nucleotide position 358. The glutamic acid at codon 120 is replaced by glutamine, an amino acid with highly similar properties. This amino acid position is highly conserved in available vertebrate species. In addition, the in silico prediction for this alteration is inconclusive. Since supporting evidence is limited at this time, the clinical significance of this alteration remains unclear.

NM_000455.5(STK11):c.358G>C (p.Glu120Gln)

Gene: STK11 (serine/threonine kinase 11; plus strand). Cytogenetic location: 19p13.3.
Variant type: single nucleotide variant.
Coding change: c.358G>C on transcript NM_000455.5 (MANE Select); coding-DNA position 358, G replaced by C.
Protein change: p.Glu120Gln; replaces glutamic acid 120 with glutamine.
Molecular consequence: missense variant.
Genome position (GRCh38, 1-based): chr19:1,218,484, G>C. VCF-style: chr19-1218484-G-C. GRCh37 (hg19) VCF-style: chr19-1218483-G-C.
Other names: short protein forms E120Q.
Identifiers: ClinVar variation 1434313 (VCV001434313.12), dbSNP rs775595174, ClinGen allele CA402947856.